The following is an entry in ClinVar:

ClinVar aggregate classification (germline): Uncertain significance (1 of 4 stars; one submission).

Conditions:
Hajdu-Cheney syndrome (HJCYS). Also called: Acroosteolysis dominant type; SERPENTINE FIBULA-POLYCYSTIC KIDNEY SYNDROME; ACROOSTEOLYSIS WITH OSTEOPOROSIS AND CHANGES IN SKULL AND MANDIBLE. Identifiers: Orphanet 955, MedGen C0917715, MONDO:0007057, OMIM 102500.

Allele frequency attached by ClinVar (database versions not stated): TOPMed below 0.00001.

Submission:

Labcorp Genetics (formerly Invitae), Labcorp
Classification: Uncertain significance for Hajdu-Cheney syndrome. Last evaluated: 2022-06-29. Review status: criteria provided, single submitter. Criteria: Invitae Variant Classification Sherloc (09022015). Collection method: clinical testing. Allele origin: germline.
Comment: This sequence change replaces serine, which is neutral and polar, with cysteine, which is neutral and slightly polar, at codon 359 of the NOTCH2 protein (p.Ser359Cys). This variant is not present in population databases (gnomAD no frequency). This variant has not been reported in the literature in individuals affected with NOTCH2-related conditions. Advanced modeling of protein sequence and biophysical properties (such as structural, functional, and spatial information, amino acid conservation, physicochemical variation, residue mobility, and thermodynamic stability) performed at Invitae indicates that this missense variant is expected to disrupt NOTCH2 protein function. In summary, the available evidence is currently insufficient to determine the role of this variant in disease. Therefore, it has been classified as a Variant of Uncertain Significance.

NM_024408.4(NOTCH2):c.1076C>G (p.Ser359Cys)

Gene: NOTCH2 (notch receptor 2; minus strand). Cytogenetic location: 1p12.
Variant type: single nucleotide variant.
Coding change: c.1076C>G on transcript NM_024408.4 (MANE Select); coding-DNA position 1076, C replaced by G.
Protein change: p.Ser359Cys; replaces serine 359 with cysteine.
Molecular consequence: missense variant.
Genome position (GRCh38, 1-based): chr1:119,969,543, G>C on the plus strand (C>G on the coding strand, the complement: NOTCH2 is on the minus strand). VCF-style: chr1-119969543-G-C. GRCh37 (hg19) VCF-style: chr1-120512166-G-C.
Other names: c.1076C>G, p.Ser359Cys (NM_001200001.2); short protein forms S359C.
Identifiers: ClinVar variation 2012142 (VCV002012142.4), dbSNP rs1651281290, ClinGen allele CA341882280.